The following is an entry in ClinVar:

NM_000939.4(POMC):c.427C>T (p.His143Tyr)

Gene: POMC (proopiomelanocortin; minus strand). Cytogenetic location: 2p23.3.
Variant type: single nucleotide variant.
Coding change: c.427C>T on transcript NM_000939.4 (MANE Select); coding-DNA position 427, C replaced by T.
Protein change: p.His143Tyr; replaces histidine 143 with tyrosine.
Molecular consequence: missense variant.
Genome position (GRCh38, 1-based): chr2:25,161,458, G>A on the plus strand (C>T on the coding strand, the complement: POMC is on the minus strand). VCF-style: chr2-25161458-G-A. GRCh37 (hg19) VCF-style: chr2-25384327-G-A.
Other names: c.427C>T (NM_000939.3); c.427C>T, p.His143Tyr (NM_001035256.3, NM_001319204.2, NM_001319205.2); short protein forms H143Y.
Identifiers: ClinVar variation 2978557 (VCV002978557.4), dbSNP rs374434212, ClinGen allele CA1555302.

ClinVar aggregate classification (germline): Conflicting classifications of pathogenicity. Review status: criteria provided, conflicting classifications (1 of 4 stars). 2 submissions from 2 submitters: Uncertain significance (1); Likely benign (1). Last evaluated 2026-06-08.

Conditions:
POMC-related disorder. Also called: POMC-related condition; POMC-related disorders.

Allele frequency attached by ClinVar (database versions not stated): gnomAD exomes 0.00004; gnomAD 0.00005; TOPMed 0.00005; ESP Exome Variant Server 0.00008; ExAC 0.00015.
gnomAD v4.1: 67 of 1,609,766 alleles (0.0042%); highest among the groups gnomAD compares: Non-Finnish European, 0.0012%; 1 homozygote.

Submissions (2):

PreventionGenetics, part of Exact Sciences
Classification: Uncertain significance for POMC-related condition. Last evaluated: 2026-06-08. Review status: criteria provided, single submitter. Criteria: ACMG Guidelines, 2015. Collection method: clinical testing. Allele origin: germline.
Comment: The POMC c.427C>T variant is predicted to result in the amino acid substitution p.His143Tyr. This variant was observed in a cohort of obese individuals, and in vitro functional studies show strong evidence of loss of function (Table 3 and Supplemental Data Set, Shah et al. 2023. PubMed ID: 36864747). This variant is reported in 0.27% of alleles in individuals of Ashkenazi Jewish descent in gnomAD including one homozygote in the larger gnomAD v4.1.0 database. At this time, the clinical significance of this variant is uncertain due to the absence of conclusive functional and genetic evidence.

Labcorp Genetics (formerly Invitae), Labcorp
Classification: Likely benign. Last evaluated: 2025-10-19. Review status: criteria provided, single submitter. Criteria: Invitae Variant Classification Sherloc (09022015). Collection method: clinical testing. Allele origin: germline.